The following is an entry in ClinVar:

ClinVar aggregate classification (germline): Pathogenic/Likely pathogenic. Review status: criteria provided, multiple submitters, no conflicts (2 of 4 stars). 3 submissions from 3 submitters: Pathogenic (2); Likely pathogenic (1). Last evaluated 2025-07-29.

Conditions:
Leber congenital amaurosis 8 (LCA8). Identifiers: Orphanet 65, MedGen C3151202, MONDO:0013453, OMIM 613835.
Retinitis pigmentosa 12 (RP12). Also called: RP WITH OR WITHOUT PPRPE; RP WITH OR WITHOUT PRESERVED PARAARTERIOLE RETINAL PIGMENT EPITHELIUM; RETINITIS PIGMENTOSA WITH OR WITHOUT PARAARTERIOLAR PRESERVATION OF RETINAL PIGMENT EPITHELIUM. Identifiers: Orphanet 791, MedGen C1838647, MONDO:0010818, OMIM 600105.
Pigmented paravenous retinochoroidal atrophy. Identifiers: Orphanet 251295, MedGen C1868310, MONDO:0008246, OMIM 172870.

Allele frequency attached by ClinVar (database versions not stated): gnomAD exomes below 0.00001.
gnomAD v4.1: 1 of 1,613,808 alleles (0.000062%); highest among the groups gnomAD compares: East Asian, 0.0022%; no homozygotes.

Submissions (3):

Labcorp Genetics (formerly Invitae), Labcorp
Classification: Pathogenic for Leber congenital amaurosis 8; Retinitis pigmentosa 12. Last evaluated: 2025-07-29. Review status: criteria provided, single submitter. Criteria: Invitae Variant Classification Sherloc (09022015). Collection method: clinical testing. Allele origin: germline.
Comment: This sequence change replaces glutamic acid, which is acidic and polar, with glutamine, which is neutral and polar, at codon 1403 of the CRB1 protein (p.Glu1403Gln). This variant is not present in population databases (gnomAD no frequency). This missense change has been observed in individuals with CRB1-related conditions (PMID: 24715753, 31054281, 33090715). It has also been observed to segregate with disease in related individuals. ClinVar contains an entry for this variant (Variation ID: 859692). Invitae Evidence Modeling of protein sequence and biophysical properties (such as structural, functional, and spatial information, amino acid conservation, physicochemical variation, residue mobility, and thermodynamic stability) indicates that this missense variant is expected to disrupt CRB1 protein function with a positive predictive value of 95%. For these reasons, this variant has been classified as Pathogenic.

Fulgent Genetics
Classification: Likely pathogenic for Pigmented paravenous retinochoroidal atrophy; Retinitis pigmentosa 12; Leber congenital amaurosis 8. Last evaluated: 2024-01-20. Review status: criteria provided, single submitter. Criteria: ACMG Guidelines, 2015. Collection method: clinical testing. Allele origin: germline.

Baylor Genetics
Classification: Pathogenic for Leber congenital amaurosis 8. Last evaluated: 2024-01-11. Review status: criteria provided, single submitter. Criteria: ACMG Guidelines, 2015. Collection method: clinical testing. Allele origin: unknown.

Literature cited by the submitters: PubMed 24715753 (cited by Labcorp Genetics (formerly Invitae), Labcorp); PubMed 31054281 (cited by Labcorp Genetics (formerly Invitae), Labcorp); PubMed 33090715 (cited by Labcorp Genetics (formerly Invitae), Labcorp).

NM_201253.3(CRB1):c.4207G>C (p.Glu1403Gln)

Gene: CRB1 (crumbs cell polarity complex component 1; plus strand). Cytogenetic location: 1q31.3.
Variant type: single nucleotide variant.
Coding change: c.4207G>C on transcript NM_201253.3 (MANE Select); coding-DNA position 4207, G replaced by C.
Protein change: p.Glu1403Gln; replaces glutamic acid 1403 with glutamine.
Molecular consequence: missense variant. On other transcripts: non-coding transcript variant (2).
Genome position (GRCh38, 1-based): chr1:197,477,865, G>C. VCF-style: chr1-197477865-G-C. GRCh37 (hg19) VCF-style: chr1-197446995-G-C.
Other names: c.3871G>C, p.Glu1291Gln (NM_001193640.2); c.4135G>C, p.Glu1379Gln (NM_001257965.2); c.2599G>C, p.Glu867Gln (NM_001257966.2); short protein forms E1291Q, E1403Q, E1379Q, E867Q.
Identifiers: ClinVar variation 859692 (VCV000859692.12), dbSNP rs1667269806, ClinGen allele CA344036086.